The following is an entry in ClinVar:

NM_001042492.3(NF1):c.7897G>A (p.Glu2633Lys)

Gene: NF1 (neurofibromin 1; plus strand). Cytogenetic location: 17q11.2.
Variant type: single nucleotide variant.
Coding change: c.7897G>A on transcript NM_001042492.3 (MANE Select); coding-DNA position 7897, G replaced by A.
Protein change: p.Glu2633Lys; replaces glutamic acid 2633 with lysine.
Molecular consequence: missense variant.
Genome position (GRCh38, 1-based): chr17:31,357,296, G>A. VCF-style: chr17-31357296-G-A. GRCh37 (hg19) VCF-style: chr17-29684314-G-A.
Other names: c.7834G>A, p.Glu2612Lys (NM_000267.4); short protein forms E2612K, E2633K.
Identifiers: ClinVar variation 650807 (VCV000650807.10), dbSNP rs750754640, ClinGen allele CA8487691.
Genomic context (GRCh38, chr17:31,357,296, plus strand): 5'-ATGTTGTGTGTTTACTTTTTTGCATCTTGGCAGGCTACACTGGTAAAATATACCACAGAT[G>A]AGTTTGATCAACGAATTCTTTATGAATACTTAGCAGAGGCCAGTGTTGTGTTTCCCAAAG-3'
Protein context (NP_001035957.1, residues 2623-2643): LATLVKYTTD[Glu2633Lys]FDQRILYEYL

ClinVar aggregate classification (germline): Conflicting classifications of pathogenicity. Review status: criteria provided, conflicting classifications (1 of 4 stars). 4 submissions from 4 submitters: Uncertain significance (3); Likely benign (1). Last evaluated 2025-11-25.

Conditions:
Neurofibromatosis, type 1 (NF1). Also called: VON RECKLINGHAUSEN DISEASE; Neurofibromatosis, type I; NEUROFIBROMATOSIS, TYPE I, SOMATIC; Peripheral type neurofibromatosis. Identifiers: Orphanet 636, MedGen C0027831, MONDO:0018975, OMIM 162200. Disease mechanism: loss of function.
Cardiovascular phenotype. Identifiers: MedGen CN230736.
Hereditary cancer-predisposing syndrome. Also called: Hereditary Cancer Syndrome; Tumor predisposition; Neoplastic Syndromes, Hereditary; Hereditary neoplastic syndrome. Identifiers: Orphanet 140162, MedGen C0027672, MeSH D009386, MONDO:0015356.

Allele frequency attached by ClinVar (database versions not stated): gnomAD exomes below 0.00001; ExAC 0.00001; gnomAD 0.00001; TOPMed 0.00001.
gnomAD v4.1: 2 of 1,613,872 alleles (0.00012%); highest among the groups gnomAD compares: African/African-American, 0.0027%; no homozygotes.

Submissions (4):

Labcorp Genetics (formerly Invitae), Labcorp
Classification: Likely benign for Neurofibromatosis, type 1. Last evaluated: 2025-11-25. Review status: criteria provided, single submitter. Criteria: Invitae Variant Classification Sherloc (09022015). Collection method: clinical testing. Allele origin: germline.

Women's Health and Genetics/Laboratory Corporation of America, LabCorp
Classification: Uncertain significance. Last evaluated: 2024-12-24. Review status: criteria provided, single submitter. Criteria: LabCorp Variant Classification Summary - May 2015. Collection method: clinical testing. Allele origin: germline.
Comment: Variant summary: NF1 c.7834G>A (p.Glu2612Lys) results in a conservative amino acid change in the encoded protein sequence. Four of five in-silico tools predict a benign effect of the variant on protein function. The variant allele was found at a frequency of 4e-06 in 251306 control chromosomes. The available data on variant occurrences in the general population are insufficient to allow any conclusion about variant significance. To our knowledge, no occurrence of c.7834G>A in individuals affected with Neurofibromatosis Type 1 and no experimental evidence demonstrating its impact on protein function have been reported. The following publications have been ascertained in the context of this evaluation (PMID: 27069254, 10678181, 23460398, 29872168, NCCN_MDS). ClinVar contains an entry for this variant (Variation ID: 650807). Based on the evidence outlined above, the variant was classified as uncertain significance.

Ambry Genetics
Classification: Uncertain significance for Cardiovascular phenotype; Hereditary cancer-predisposing syndrome. Last evaluated: 2023-09-11. Review status: criteria provided, single submitter. Criteria: Ambry Variant Classification Scheme 2023. Collection method: clinical testing. Allele origin: germline.
Comment: The p.E2612K variant (also known as c.7834G>A), located in coding exon 53 of the NF1 gene, results from a G to A substitution at nucleotide position 7834. The glutamic acid at codon 2612 is replaced by lysine, an amino acid with similar properties. This amino acid position is well conserved in available vertebrate species. In addition, the in silico prediction for this alteration is inconclusive. Since supporting evidence is limited at this time, the clinical significance of this alteration remains unclear.

St. Jude Molecular Pathology, St. Jude Children's Research Hospital
Classification: Uncertain significance for Neurofibromatosis, type 1. Last evaluated: 2022-09-09. Review status: criteria provided, single submitter. Criteria: St. Jude Assertion Criteria 2020. Collection method: clinical testing. Allele origin: germline.
Comment: The NF1 c.7834G>A (p.Glu2612Lys) missense change has a maximum subpopulation frequency of 0.0080% in gnomAD v2.1.1. The in silico tool REVEL predicts a benign effect on protein function, but to our knowledge this prediction has not been confirmed by functional studies. To our knowledge, this variant has not been reported in individuals with Neurofibromatosis type 1. In summary, the evidence currently available is insufficient to determine the clinical significance of this variant. It has therefore been classified as of uncertain significance.

Literature cited by the submitters: PubMed 10678181 (cited by Women's Health and Genetics/Laboratory Corporation of America, LabCorp); PubMed 23460398 (cited by Women's Health and Genetics/Laboratory Corporation of America, LabCorp); PubMed 29872168 (cited by Women's Health and Genetics/Laboratory Corporation of America, LabCorp); PubMed 27069254 (cited by Women's Health and Genetics/Laboratory Corporation of America, LabCorp).